The following is an entry in ClinVar:

ClinVar aggregate classification (germline): Likely benign (1 of 4 stars; one submission).

Conditions:
Wilson disease (WND). Also called: Wilson's disease. Identifiers: Orphanet 905, MedGen C0019202, MONDO:0010200, OMIM 277900. Disease mechanism: loss of function.

Allele frequency attached by ClinVar (database versions not stated): gnomAD exomes below 0.00001.

Submission:

All of Us Research Program, National Institutes of Health
Classification: Likely benign for Wilson disease. Last evaluated: 2023-06-26. Review status: criteria provided, single submitter. Criteria: ACMG Guidelines, 2015. Collection method: clinical testing. Allele origin: germline. Inheritance: Autosomal recessive inheritance. Observed: 1 variant allele, 1 heterozygote.
Comment: This study involves interpretation of variants in research participants for the purpose of population health screening. Participant phenotype was not available at the time of variant classification. Additional details can be found in publication PMID: 35346344, PMCID: PMC8962531

NM_000053.4(ATP7B):c.2866-11C>T

Gene: ATP7B (ATPase copper transporting beta; minus strand). Cytogenetic location: 13q14.3.
Variant type: single nucleotide variant.
Coding change: c.2866-11C>T on transcript NM_000053.4 (MANE Select); 11 bases into the intron before coding-DNA position 2866, C replaced by T.
Molecular consequence: intron variant.
Genome position (GRCh38, 1-based): chr13:51,946,489, G>A on the plus strand (C>T on the coding strand, the complement: ATP7B is on the minus strand). VCF-style: chr13-51946489-G-A. GRCh37 (hg19) VCF-style: chr13-52520625-G-A.
Other names: c.2812-11C>T (NM_001406516.1, NM_001406515.1); c.2866-11C>T (NM_001406512.1, NM_001406523.1, NM_001406526.1 and 2 more transcripts); c.2614-11C>T (NM_001406532.1, NM_001330579.2, NM_001406531.1); c.2533-11C>T (NM_001243182.2); c.1576-11C>T (NM_001406548.1); c.2689-11C>T (NM_001406524.1); c.2833-11C>T (NM_001406514.1); c.2218-2198C>T (NM_001406547.1); and 18 more.
Identifiers: ClinVar variation 3071976 (VCV003071976.1), dbSNP rs377517985, ClinGen allele CA610425877.